The following is an entry in ClinVar:

NM_001122659.3(EDNRB):c.1170C>G (p.Ser390Arg)

Genes: EDNRB (endothelin receptor type B; minus strand), EDNRB-AS1 (EDNRB antisense RNA 1; plus strand). Cytogenetic location: 13q22.3.
Variant type: single nucleotide variant.
Coding change: c.1170C>G on transcript NM_001122659.3 (MANE Select); coding-DNA position 1170, C replaced by G.
Protein change: p.Ser390Arg; replaces serine 390 with arginine.
Molecular consequence: missense variant.
Genome position (GRCh38, 1-based): chr13:77,899,883, G>C on the plus strand (C>G on the coding strand, the complement: EDNRB is on the minus strand). VCF-style: chr13-77899883-G-C. GRCh37 (hg19) VCF-style: chr13-78474018-G-C.
Other names: c.1170C>G, p.Ser390Arg (NM_000115.5, NM_003991.4); c.1440C>G, p.Ser480Arg (NM_001201397.2); short protein forms S390R, S480R.
Identifiers: ClinVar variation 2632913 (VCV002632913.1), dbSNP rs2501526109, ClinGen allele CA388450996.

ClinVar aggregate classification (germline): Uncertain significance (1 of 4 stars; one submission).

Conditions:
EDNRB-related disorder. Also called: EDNRB-related condition; EDNRB-related disorders.

Submission:

PreventionGenetics, part of Exact Sciences
Classification: Uncertain significance for EDNRB-related condition. Last evaluated: 2023-05-02. Review status: criteria provided, single submitter. Criteria: ACMG Guidelines, 2015. Collection method: clinical testing. Allele origin: germline.
Comment: The EDNRB c.1170C>G variant is predicted to result in the amino acid substitution p.Ser390Arg. To our knowledge, this nucleotide variant resulting in the p.Ser390Arg amino acid change has not been reported in the literature or in a large population database, indicating this variant is rare. However, a different variant resulting in the same missense change (c.1170C>A, p.Ser390Arg) has been identified within a cohort of individuals presenting with Hirschsprung disease. Functional studies also indicate this amino acid substitution impacts intracellular signaling (Tanaka et al. 1998. PubMed ID: 9556633). Although we suspect that this variant may be pathogenic, at this time, the clinical significance of this variant is uncertain due to the absence of conclusive functional and genetic evidence.